The following is an entry in ClinVar:

ClinVar aggregate classification (germline): Likely benign. Review status: criteria provided, multiple submitters, no conflicts (2 of 4 stars). 2 submissions from 2 submitters: Likely benign (2). Last evaluated 2025-05-30.

gnomAD v4.1: 32 of 1,613,504 alleles (0.002%); highest among the groups gnomAD compares: Middle Eastern, 0.016%; no homozygotes.

Submissions (2):

Labcorp Genetics (formerly Invitae), Labcorp
Classification: Likely benign. Last evaluated: 2025-05-30. Review status: criteria provided, single submitter. Criteria: Invitae Variant Classification Sherloc (09022015). Collection method: clinical testing. Allele origin: germline.

CeGaT Center for Human Genetics Tuebingen
Classification: Likely benign. Last evaluated: 2025-05-01. Review status: criteria provided, single submitter. Criteria: CeGaT Center For Human Genetics Tuebingen Variant Classification Criteria Version 2. Collection method: clinical testing. Allele origin: germline. Affected: yes. Observed: 1 variant allele.
Comment: MRPL12: BP4, BP7

NM_002949.4(MRPL12):c.165C>T (p.Asn55=)

Gene: MRPL12 (mitochondrial ribosomal protein L12; plus strand). Cytogenetic location: 17q25.3.
Variant type: single nucleotide variant.
Coding change: c.165C>T on transcript NM_002949.4 (MANE Select); coding-DNA position 165, C replaced by T.
Protein change: p.Asn55=; no amino-acid change (asparagine 55 retained).
Molecular consequence: synonymous variant.
Genome position (GRCh38, 1-based): chr17:81,704,334, C>T. VCF-style: chr17-81704334-C-T. GRCh37 (hg19) VCF-style: chr17-79671364-C-T.
Identifiers: ClinVar variation 3715694 (VCV003715694.12).
Genomic context (GRCh38, chr17:81,704,334, plus strand): 5'-ACATATGAGGAGCAGCGGCCATCAGAGGTGTGAGGCCCTCGCTGGTGCACCCCTGGATAA[C>T]GCCCCCAAGGAGTACCCCCCCAAGATACAGCAGCTGGTCCAGGACATCGCCAGCCTCACT-3'
Protein context (NP_002940.2, residues 45-65): CEALAGAPLD[Asn55=]APKEYPPKIQ